The following is an entry in ClinVar:

NM_007198.4(PLPBP):c.8G>A (p.Arg3Lys)

Genes: PLPBP (pyridoxal phosphate binding protein; plus strand), LOC113788277 (Sharpr-MPRA regulatory region 13802; plus strand). Cytogenetic location: 8p11.23.
Variant type: single nucleotide variant.
Coding change: c.8G>A on transcript NM_007198.4 (MANE Select); coding-DNA position 8, G replaced by A.
Protein change: p.Arg3Lys; replaces arginine 3 with lysine.
Molecular consequence: missense variant. On other transcripts: 5 prime UTR variant (1).
Genome position (GRCh38, 1-based): chr8:37,762,667, G>A. VCF-style: chr8-37762667-G-A. GRCh37 (hg19) VCF-style: chr8-37620185-G-A.
Other names: c.8G>A, p.Arg3Lys (NM_001349346.2, NM_001349347.2); c.-91G>A (NM_001349348.2); c.113G>A, p.Arg38Lys (NM_001349349.1); short protein forms R38K, R3K.
Identifiers: ClinVar variation 2416501 (VCV002416501.6), dbSNP rs982521520, ClinGen allele CA175030298.

ClinVar aggregate classification (germline): Uncertain significance (1 of 4 stars; one submission).

Submission:

Labcorp Genetics (formerly Invitae), Labcorp
Classification: Uncertain significance. Last evaluated: 2023-10-03. Review status: criteria provided, single submitter. Criteria: Invitae Variant Classification Sherloc (09022015). Collection method: clinical testing. Allele origin: germline.
Comment: This sequence change replaces arginine, which is basic and polar, with lysine, which is basic and polar, at codon 3 of the PROSC protein (p.Arg3Lys). This variant is not present in population databases (gnomAD no frequency). This variant has not been reported in the literature in individuals affected with PROSC-related conditions. ClinVar contains an entry for this variant (Variation ID: 2416501). Algorithms developed to predict the effect of missense changes on protein structure and function output the following: SIFT: "Not Available"; PolyPhen-2: "Benign"; Align-GVGD: "Not Available". The lysine amino acid residue is found in multiple mammalian species, which suggests that this missense change does not adversely affect protein function. In summary, the available evidence is currently insufficient to determine the role of this variant in disease. Therefore, it has been classified as a Variant of Uncertain Significance.